The following is an entry in ClinVar:

ClinVar aggregate classification (germline): Uncertain significance. Review status: criteria provided, multiple submitters, no conflicts (2 of 4 stars). 2 submissions from 2 submitters: Uncertain significance (2). Last evaluated 2023-10-22.

Conditions:
Hereditary cancer-predisposing syndrome. Also called: Neoplastic Syndromes, Hereditary; Tumor predisposition; Hereditary Cancer Syndrome; Hereditary neoplastic syndrome. Identifiers: Orphanet 140162, MedGen C0027672, MeSH D009386, MONDO:0015356.
Oligodontia-cancer predisposition syndrome. Also called: TOOTH AGENESIS-COLORECTAL CANCER SYNDROME. Identifiers: Orphanet 300576, MedGen C1837750, MONDO:0012075, OMIM 608615. Disease mechanism: loss of function.

Submissions (2):

Labcorp Genetics (formerly Invitae), Labcorp
Classification: Uncertain significance for Oligodontia-cancer predisposition syndrome. Last evaluated: 2023-10-22. Review status: criteria provided, single submitter. Criteria: Invitae Variant Classification Sherloc (09022015). Collection method: clinical testing. Allele origin: germline.
Comment: This sequence change replaces alanine, which is neutral and non-polar, with proline, which is neutral and non-polar, at codon 133 of the AXIN2 protein (p.Ala133Pro). This variant is not present in population databases (gnomAD no frequency). This variant has not been reported in the literature in individuals affected with AXIN2-related conditions. ClinVar contains an entry for this variant (Variation ID: 1736691). Advanced modeling of protein sequence and biophysical properties (such as structural, functional, and spatial information, amino acid conservation, physicochemical variation, residue mobility, and thermodynamic stability) performed at Invitae indicates that this missense variant is expected to disrupt AXIN2 protein function. In summary, the available evidence is currently insufficient to determine the role of this variant in disease. Therefore, it has been classified as a Variant of Uncertain Significance.

Ambry Genetics
Classification: Uncertain significance for Hereditary cancer-predisposing syndrome. Last evaluated: 2021-12-21. Review status: criteria provided, single submitter. Criteria: Ambry Variant Classification Scheme 2023. Collection method: clinical testing. Allele origin: germline.
Comment: The p.A133P variant (also known as c.397G>C), located in coding exon 1 of the AXIN2 gene, results from a G to C substitution at nucleotide position 397. The alanine at codon 133 is replaced by proline, an amino acid with highly similar properties. This amino acid position is conserved. In addition, this alteration is predicted to be deleterious by in silico analysis. Since supporting evidence is limited at this time, the clinical significance of this alteration remains unclear.

NM_004655.4(AXIN2):c.397G>C (p.Ala133Pro)

Gene: AXIN2 (axin 2; minus strand). Cytogenetic location: 17q24.1.
Variant type: single nucleotide variant.
Coding change: c.397G>C on transcript NM_004655.4 (MANE Select); coding-DNA position 397, G replaced by C.
Protein change: p.Ala133Pro; replaces alanine 133 with proline.
Molecular consequence: missense variant.
Genome position (GRCh38, 1-based): chr17:65,558,224, C>G on the plus strand (G>C on the coding strand, the complement: AXIN2 is on the minus strand). VCF-style: chr17-65558224-C-G. GRCh37 (hg19) VCF-style: chr17-63554342-C-G.
Other names: c.397G>C, p.Ala133Pro (NM_001363813.1); short protein forms A133P.
Identifiers: ClinVar variation 1736691 (VCV001736691.5), dbSNP rs2144586693, ClinGen allele CA400681482.